The following is an entry in ClinVar:

NM_000051.4(ATM):c.975del (p.His325fs)

Gene: ATM (ATM serine/threonine kinase; plus strand). Cytogenetic location: 11q22.3.
Variant type: Deletion.
Coding change: c.975del on transcript NM_000051.4 (MANE Select); coding-DNA position 975, one base deleted (T; older notation c.975delT).
Protein change: p.His325fs; shifts the reading frame from histidine 325.
Molecular consequence: frameshift variant.
Genome position (GRCh38, 1-based): chr11:108,247,037, T deleted. VCF-style (leftmost placement, unchanged base first): chr11-108247036-AT-A. GRCh37 (hg19) VCF-style: chr11-108117763-AT-A.
Other names: c.975delT (NM_000051.3); c.975del, p.His325fs (NM_001351834.2); short protein forms H325fs.
Identifiers: ClinVar variation 924162 (VCV000924162.7), dbSNP rs2079883068, ClinGen allele CA913188368.
Genomic context (GRCh38, chr11:108,247,036, plus strand): 5'-CAACAAAATGGAGAAGTATTTTATACAACTTATATGATCTGCTAGTGAATGAGATAAGTC[AT>A]ATAGGAAGTAGAGGAAAGTATTCTTCAGGATTTCGTAATATTGCCGTCAAAGAAAATTTG-3'

ClinVar aggregate classification (germline): Pathogenic/Likely pathogenic. Review status: criteria provided, multiple submitters, no conflicts (2 of 4 stars). 5 submissions from 5 submitters: Pathogenic (4); Likely pathogenic (1). Last evaluated 2024-03-18.

Conditions:
Hereditary cancer-predisposing syndrome. Also called: Hereditary Cancer Syndrome; Hereditary neoplastic syndrome; Neoplastic Syndromes, Hereditary; Tumor predisposition. Identifiers: Orphanet 140162, MedGen C0027672, MeSH D009386, MONDO:0015356.
Familial cancer of breast. Also called: hereditary breast carcinoma; BREAST CANCER, FAMILIAL; Hereditary breast cancer. Identifiers: Orphanet 227535, MedGen C0346153, MONDO:0016419, OMIM 114480. Disease mechanism: loss of function.
Ataxia-telangiectasia syndrome (AT). Also called: Ataxia-telangiectasia, complementation group E; LOUIS-BAR SYNDROME; Cerebello-oculocutaneous telangiectasia; Immunodeficiency with ataxia telangiectasia; Ataxia-telangiectasia, complementation group D; AT, COMPLEMENTATION GROUP C. Identifiers: Orphanet 100, MedGen C0004135, MONDO:0008840, OMIM 208900.

Submissions (5):

Labcorp Genetics (formerly Invitae), Labcorp
Classification: Pathogenic for Ataxia-telangiectasia syndrome. Last evaluated: 2024-03-18. Review status: criteria provided, single submitter. Criteria: Invitae Variant Classification Sherloc (09022015). Collection method: clinical testing. Allele origin: germline.
Comment: This sequence change creates a premature translational stop signal (p.His325Glnfs*2) in the ATM gene. It is expected to result in an absent or disrupted protein product. Loss-of-function variants in ATM are known to be pathogenic (PMID: 23807571, 25614872). This variant is not present in population databases (gnomAD no frequency). This variant has not been reported in the literature in individuals affected with ATM-related conditions. ClinVar contains an entry for this variant (Variation ID: 924162). Algorithms developed to predict the effect of sequence changes on RNA splicing suggest that this variant may disrupt the consensus splice site. For these reasons, this variant has been classified as Pathogenic.

Ambry Genetics
Classification: Pathogenic for Hereditary cancer-predisposing syndrome. Last evaluated: 2024-02-05. Review status: criteria provided, single submitter. Criteria: Ambry Variant Classification Scheme 2023. Collection method: clinical testing. Allele origin: germline.
Comment: The c.975delT pathogenic mutation, located in coding exon 7 of the ATM gene, results from a deletion of one nucleotide at nucleotide position 975, causing a translational frameshift with a predicted alternate stop codon (p.H325Qfs*2). This variant is considered to be rare based on population cohorts in the Genome Aggregation Database (gnomAD). This alteration is expected to result in loss of function by premature protein truncation or nonsense-mediated mRNA decay. As such, this alteration is interpreted as a disease-causing mutation.

Myriad Genetics, Inc.
Classification: Pathogenic for Familial cancer of breast. Last evaluated: 2024-01-11. Review status: criteria provided, single submitter. Criteria: Myriad Autosomal Dominant, Autosomal Recessive and X-Linked Classification Criteria (2023). Collection method: clinical testing. Allele origin: unknown.
Comment: This variant is considered pathogenic. This variant creates a frameshift predicted to result in premature protein truncation.

Baylor Genetics
Classification: Likely pathogenic for Familial cancer of breast. Last evaluated: 2022-02-03. Review status: criteria provided, single submitter. Criteria: ACMG Guidelines, 2015. Collection method: clinical testing. Allele origin: unknown.

Color Diagnostics, LLC DBA Color Health
Classification: Pathogenic for Hereditary cancer-predisposing syndrome. Last evaluated: 2020-01-15. Review status: criteria provided, single submitter. Criteria: ACMG Guidelines, 2015. Collection method: clinical testing. Allele origin: germline.
Comment: This variant deletes 1 nucleotide in exon 8 of the ATM gene, creating a frameshift and premature translation stop signal. This variant is expected to result in an absent or non-functional protein product. This variant has not been identified in the general population by the Genome Aggregation Database (gnomAD). Loss of ATM function is a known mechanism of disease. Based on the available evidence, this variant is classified as Pathogenic.

Literature cited by the submitters: PubMed 23807571 (cited by Labcorp Genetics (formerly Invitae), Labcorp); PubMed 25614872 (cited by Labcorp Genetics (formerly Invitae), Labcorp).